The following is an entry in ClinVar:

NM_020975.6(RET):c.2973G>T (p.Glu991Asp)

Gene: RET (ret proto-oncogene; plus strand). Cytogenetic location: 10q11.21.
Variant type: single nucleotide variant.
Coding change: c.2973G>T on transcript NM_020975.6 (MANE Select); coding-DNA position 2973, G replaced by T.
Protein change: p.Glu991Asp; replaces glutamic acid 991 with aspartic acid.
Molecular consequence: missense variant.
Genome position (GRCh38, 1-based): chr10:43,124,916, G>T. VCF-style: chr10-43124916-G-T. GRCh37 (hg19) VCF-style: chr10-43620364-G-T.
Other names: c.2211G>T, p.Glu737Asp (NM_001355216.2); c.2973G>T, p.Glu991Asp (NM_001406743.1, NM_001406744.1, NM_001406759.1 and 2 more transcripts); c.2844G>T, p.Glu948Asp (NM_001406761.1, NM_001406762.1, NM_001406764.1); c.2838G>T, p.Glu946Asp (NM_001406763.1, NM_001406765.1); c.2685G>T, p.Glu895Asp (NM_001406766.1, NM_001406767.1, NM_001406770.1); c.2709G>T, p.Glu903Asp (NM_001406768.1); c.2577G>T, p.Glu859Asp (NM_001406769.1, NM_001406772.1); c.2535G>T, p.Glu845Asp (NM_001406771.1, NM_001406773.1); and 10 more; short protein forms E661D, E946D, E556D, E596D, E647D, E652D, E737D, E895D.
Identifiers: ClinVar variation 3432215 (VCV003432215.1).

ClinVar aggregate classification (germline): Uncertain significance (1 of 4 stars; one submission).

Conditions:
Hereditary cancer-predisposing syndrome. Also called: Neoplastic Syndromes, Hereditary; Tumor predisposition; Hereditary Cancer Syndrome; Hereditary neoplastic syndrome. Identifiers: Orphanet 140162, MedGen C0027672, MeSH D009386, MONDO:0015356.

Submission:

Ambry Genetics
Classification: Uncertain significance for Hereditary cancer-predisposing syndrome. Last evaluated: 2024-12-04. Review status: criteria provided, single submitter. Criteria: Ambry Variant Classification Scheme 2023. Collection method: clinical testing. Allele origin: germline.
Comment: The p.E991D variant (also known as c.2973G>T), located in coding exon 18 of the RET gene, results from a G to T substitution at nucleotide position 2973. The glutamic acid at codon 991 is replaced by aspartic acid, an amino acid with highly similar properties. This amino acid position is conserved. In addition, the in silico prediction for this alteration is inconclusive. Based on the available evidence, the clinical significance of this variant remains unclear.